The following is an entry in ClinVar:

ClinVar aggregate classification (germline): Uncertain significance (1 of 4 stars; one submission).

Conditions:
CEP290-related disorder. Also called: CEP290-related disorders; CEP290-related condition. Identifiers: MedGen CN239314.

gnomAD v4.1: 2 of 1,542,934 alleles (0.00013%); highest among the groups gnomAD compares: South Asian, 0.0025%; no homozygotes.

Submission:

PreventionGenetics, part of Exact Sciences
Classification: Uncertain significance for CEP290-related condition. Last evaluated: 2026-03-05. Review status: criteria provided, single submitter. Criteria: ACMG Guidelines, 2015. Collection method: clinical testing. Allele origin: germline.
Comment: The CEP290 c.6478A>G variant is predicted to result in the amino acid substitution p.Ser2160Gly. To our knowledge, this variant has not been reported in the literature or in a large population database (gnomAD), indicating this variant is rare. At this time, the clinical significance of this variant is uncertain due to the absence of conclusive functional and genetic evidence.

NM_025114.4(CEP290):c.6478A>G (p.Ser2160Gly)

Gene: CEP290 (centrosomal protein 290; minus strand). Cytogenetic location: 12q21.32.
Variant type: single nucleotide variant.
Coding change: c.6478A>G on transcript NM_025114.4 (MANE Select); coding-DNA position 6478, A replaced by G.
Protein change: p.Ser2160Gly; replaces serine 2160 with glycine.
Molecular consequence: missense variant.
Genome position (GRCh38, 1-based): chr12:88,060,874, T>C on the plus strand (A>G on the coding strand, the complement: CEP290 is on the minus strand). VCF-style: chr12-88060874-T-C. GRCh37 (hg19) VCF-style: chr12-88454651-T-C.
Other names: short protein forms S2160G.
Identifiers: ClinVar variation 4992706 (VCV004992706.1).